The following is an entry in ClinVar:

ClinVar aggregate classification (germline): Uncertain significance (1 of 4 stars; one submission).

Conditions:
Combined oxidative phosphorylation defect type 17. Also called: Combined oxidative phosphorylation deficiency 17. Identifiers: Orphanet 369913, MedGen C3809526, MONDO:0014190, OMIM 615440.

Allele frequency attached by ClinVar (database versions not stated): gnomAD exomes 0.00001; ExAC 0.00002.
gnomAD v4.1: 3 of 1,614,122 alleles (0.00019%); highest among the groups gnomAD compares: Non-Finnish European, 0.00025%; no homozygotes.

Submission:

Labcorp Genetics (formerly Invitae), Labcorp
Classification: Uncertain significance for Combined oxidative phosphorylation defect type 17. Last evaluated: 2024-04-16. Review status: criteria provided, single submitter. Criteria: Invitae Variant Classification Sherloc (09022015). Collection method: clinical testing. Allele origin: germline.
Comment: This sequence change replaces methionine, which is neutral and non-polar, with arginine, which is basic and polar, at codon 750 of the ELAC2 protein (p.Met750Arg). This variant is present in population databases (rs769686385, gnomAD 0.007%). This variant has not been reported in the literature in individuals affected with ELAC2-related conditions. ClinVar contains an entry for this variant (Variation ID: 1416000). Advanced modeling of protein sequence and biophysical properties (such as structural, functional, and spatial information, amino acid conservation, physicochemical variation, residue mobility, and thermodynamic stability) performed at Invitae indicates that this missense variant is expected to disrupt ELAC2 protein function with a positive predictive value of 80%. In summary, the available evidence is currently insufficient to determine the role of this variant in disease. Therefore, it has been classified as a Variant of Uncertain Significance.

NM_018127.7(ELAC2):c.2249T>G (p.Met750Arg)

Gene: ELAC2 (elaC ribonuclease Z 2; minus strand). Cytogenetic location: 17p12.
Variant type: single nucleotide variant.
Coding change: c.2249T>G on transcript NM_018127.7 (MANE Select); coding-DNA position 2249, T replaced by G.
Protein change: p.Met750Arg; replaces methionine 750 with arginine.
Molecular consequence: missense variant.
Genome position (GRCh38, 1-based): chr17:12,993,691, A>C on the plus strand (T>G on the coding strand, the complement: ELAC2 is on the minus strand). VCF-style: chr17-12993691-A-C. GRCh37 (hg19) VCF-style: chr17-12897008-A-C.
Other names: c.2129T>G, p.Met710Arg (NM_001165962.2); c.2246T>G, p.Met749Arg (NM_173717.2); short protein forms M749R, M750R, M710R.
Identifiers: ClinVar variation 1416000 (VCV001416000.7), dbSNP rs769686385, ClinGen allele CA8400878.
Genomic context (GRCh38, chr17:12,993,691, plus strand): 5'-AGAGTCCTGTCTCCCTGCCCCGTCCCCGCCCTGTGCTGTCCGTGTGACATACAGACCTTC[A>C]TGTGGTCAAAGGCAACTCCCACTTTCTCGCTGAAGTTGGGGCTGAAGAGGGGGACCTTGG-3'
Protein context (NP_060597.4, residues 740-760): SEKVGVAFDH[Met750Arg]KVCFGDFPTM